The following is an entry in ClinVar:

ClinVar aggregate classification (germline): Uncertain significance (1 of 4 stars; one submission).

Conditions:
Hereditary cancer-predisposing syndrome. Also called: Neoplastic Syndromes, Hereditary; Tumor predisposition; Hereditary Cancer Syndrome; Hereditary neoplastic syndrome. Identifiers: Orphanet 140162, MedGen C0027672, MeSH D009386, MONDO:0015356.

Submission:

Ambry Genetics
Classification: Uncertain significance for Hereditary cancer-predisposing syndrome. Last evaluated: 2025-10-29. Review status: criteria provided, single submitter. Criteria: Ambry Variant Classification Scheme 2023. Collection method: clinical testing. Allele origin: germline.
Comment: The c.57_58delGCinsAA variant, located in coding exon 1 of the MET gene, results from an in-frame deletion of GC and insertion of AA at nucleotide positions 57 to 58. This results in the substitution of the glutamine residue for a lysine residue at codon 20, an amino acid with similar properties. This amino acid position is not well conserved in available vertebrate species. In addition, the in silico prediction for this alteration is inconclusive. Based on the available evidence, the clinical significance of this variant remains unclear.

NM_000245.4(MET):c.57_58delinsAA (p.Gln20Lys)

Gene: MET (MET proto-oncogene, receptor tyrosine kinase; plus strand). Cytogenetic location: 7q31.2.
Variant type: Indel.
Coding change: c.57_58delinsAA on transcript NM_000245.4 (MANE Select); coding-DNA positions 57 to 58, GC replaced by AA.
Protein change: p.Gln20Lys; replaces glutamine 20 with lysine.
Molecular consequence: missense variant. On other transcripts: intron variant (1).
Genome position (GRCh38, 1-based): chr7:116,699,141-116,699,142, GC replaced by AA. VCF-style: chr7-116699141-GC-AA. GRCh37 (hg19) VCF-style: chr7-116339195-GC-AA.
Other names: c.57_58delinsAA, p.Gln20Lys (NM_001127500.3, NM_001324401.3); c.-91+26564_-91+26565delinsAA (NM_001324402.2); short protein forms Q20K.
Identifiers: ClinVar variation 4647747 (VCV004647747.1).